The following is an entry in ClinVar:

NM_001943.5(DSG2):c.536T>C (p.Met179Thr)

Gene: DSG2 (desmoglein 2; plus strand). Cytogenetic location: 18q12.1.
Variant type: single nucleotide variant.
Coding change: c.536T>C on transcript NM_001943.5 (MANE Select); coding-DNA position 536, T replaced by C.
Protein change: p.Met179Thr; replaces methionine 179 with threonine.
Molecular consequence: missense variant.
Genome position (GRCh38, 1-based): chr18:31,522,095, T>C. VCF-style: chr18-31522095-T-C. GRCh37 (hg19) VCF-style: chr18-29102058-T-C.
Other names: c.536T>C (LRG_397t1); short protein forms M179T.
Identifiers: ClinVar variation 466346 (VCV000466346.13), dbSNP rs753854046, ClinGen allele CA049353.

ClinVar aggregate classification (germline): Uncertain significance. Review status: criteria provided, multiple submitters, no conflicts (2 of 4 stars). 4 submissions from 4 submitters: Uncertain significance (4). Last evaluated 2025-10-01.

Conditions:
Cardiovascular phenotype. Identifiers: MedGen CN230736.
Arrhythmogenic right ventricular cardiomyopathy (ARVD). Also called: Cardiomyopathy, ARVC; Arrhythmogenic right ventricular dysplasia; Arrhythmogenic cardiomyopathy; Arrhythmogenic Right Ventricular Cardiomyopathy (ARVC). Identifiers: Orphanet 247, MedGen C0349788, MeSH D019571, MONDO:0016587. Disease mechanism: loss of function. Inheritance: Various modes of inheritance.
Cardiomyopathy (CMYO). Also called: Cardiomyopathies. Identifiers: Orphanet 167848, MedGen C0878544, MONDO:0004994, HP:0001638. Inheritance: Various modes of inheritance.
Arrhythmogenic right ventricular dysplasia 10. Also called: Arrhythmogenic right ventricular dysplasia/cardiomyopathy, type 10; Arrhythmogenic Right Ventricular Dysplasia/Cardiomyopathy10; ARRHYTHMOGENIC RIGHT VENTRICULAR DYSPLASIA, FAMILIAL, 10. Identifiers: MedGen C1857777, MONDO:0012434, OMIM 610193.

Allele frequency attached by ClinVar (database versions not stated): gnomAD exomes below 0.00001; ExAC 0.00001; gnomAD 0.00001.

Submissions (4):

Ambry Genetics
Classification: Uncertain significance for Cardiovascular phenotype. Last evaluated: 2025-10-01. Review status: criteria provided, single submitter. Criteria: Ambry Variant Classification Scheme 2023. Collection method: clinical testing. Allele origin: germline.
Comment: The p.M179T variant (also known as c.536T>C), located in coding exon 6 of the DSG2 gene, results from a T to C substitution at nucleotide position 536. The methionine at codon 179 is replaced by threonine, an amino acid with similar properties. This amino acid position is well conserved in available vertebrate species. In addition, this alteration is predicted to be tolerated by in silico analysis. Based on the available evidence, the clinical significance of this variant remains unclear.

Color Diagnostics, LLC DBA Color Health
Classification: Uncertain significance for Cardiomyopathy. Last evaluated: 2025-09-12. Review status: criteria provided, single submitter. Criteria: ACMG Guidelines, 2015. Collection method: clinical testing. Allele origin: germline.
Comment: This missense variant replaces methionine with threonine at codon 179 of the DSG2 protein. Computational prediction suggests that this variant may not impact protein structure and function. To our knowledge, functional studies have not been reported for this variant. This variant has not been reported in individuals affected with DSG2-related disorders in the literature. This variant has been identified in 1/249304 chromosomes in the general population by the Genome Aggregation Database (gnomAD). The available evidence is insufficient to determine the role of this variant in disease conclusively. Therefore, this variant is classified as a Variant of Uncertain Significance.

Labcorp Genetics (formerly Invitae), Labcorp
Classification: Uncertain significance for Arrhythmogenic right ventricular dysplasia 10. Last evaluated: 2023-07-07. Review status: criteria provided, single submitter. Criteria: Invitae Variant Classification Sherloc (09022015). Collection method: clinical testing. Allele origin: germline.
Comment: This sequence change replaces methionine, which is neutral and non-polar, with threonine, which is neutral and polar, at codon 179 of the DSG2 protein (p.Met179Thr). In summary, the available evidence is currently insufficient to determine the role of this variant in disease. Therefore, it has been classified as a Variant of Uncertain Significance. Advanced modeling of protein sequence and biophysical properties (such as structural, functional, and spatial information, amino acid conservation, physicochemical variation, residue mobility, and thermodynamic stability) performed at Invitae indicates that this missense variant is not expected to disrupt DSG2 protein function. ClinVar contains an entry for this variant (Variation ID: 466346). This variant has not been reported in the literature in individuals affected with DSG2-related conditions. This variant is present in population databases (rs753854046, gnomAD 0.0009%).

All of Us Research Program, National Institutes of Health
Classification: Uncertain significance for Arrhythmogenic right ventricular cardiomyopathy. Last evaluated: 2023-04-27. Review status: criteria provided, single submitter. Criteria: ACMG Guidelines, 2015. Collection method: clinical testing. Allele origin: germline. Inheritance: Autosomal dominant inheritance. Observed: 1 variant allele, 1 heterozygote.
Comment: This study involves interpretation of variants in research participants for the purpose of population health screening. Participant phenotype was not available at the time of variant classification. Additional details can be found in publication PMID: 35346344, PMCID: PMC8962531